The following is an entry in ClinVar:

ClinVar aggregate classification (germline): Uncertain significance (1 of 4 stars; one submission).

Allele frequency attached by ClinVar (database versions not stated): gnomAD exomes 0.00004; ExAC 0.00005; gnomAD 0.00006 and 0.00007; TOPMed 0.00007; ESP Exome Variant Server 0.00008.
gnomAD v4.1: 24 of 1,614,082 alleles (0.0015%); highest among the groups gnomAD compares: African/African-American, 0.019%; no homozygotes.

Submission:

Genetic Services Laboratory, University of Chicago
Classification: Uncertain significance. Last evaluated: 2021-08-27. Review status: criteria provided, single submitter. Criteria: ACMG Guidelines, 2015. Collection method: clinical testing. Allele origin: germline. Affected: no.
Comment: This sequence change does not appear to have been previously described in patients with PAX5-related disorders and has been described in the gnomAD database with a low population frequency of 0.0039% (dbSNP rs142210825). The p.Arg221Gln change affects a highly conserved amino acid residue located in a domain of the PAX5 protein that is not known to be functional. The p.Arg221Gln substitution appears to be deleterious using several in-silico pathogenicity prediction tools (SIFT, PolyPhen2, Align GVGD, REVEL). Due to these contrasting evidences and the lack of functional studies, the clinical significance of the p.Arg221Gln change remains unknown at this time.

NM_016734.3(PAX5):c.662G>A (p.Arg221Gln)

Gene: PAX5 (paired box 5; minus strand). Cytogenetic location: 9p13.2.
Variant type: single nucleotide variant.
Coding change: c.662G>A on transcript NM_016734.3 (MANE Select); coding-DNA position 662, G replaced by A.
Protein change: p.Arg221Gln; replaces arginine 221 with glutamine.
Molecular consequence: missense variant. On other transcripts: non-coding transcript variant (2).
Genome position (GRCh38, 1-based): chr9:36,966,667, C>T on the plus strand (G>A on the coding strand, the complement: PAX5 is on the minus strand). VCF-style: chr9-36966667-C-T. GRCh37 (hg19) VCF-style: chr9-36966664-C-T.
Other names: c.662G>A, p.Arg221Gln (NM_001280547.2, NM_001280548.2, NM_001280549.2 and 2 more transcripts); c.338G>A, p.Arg113Gln (NM_001280551.2, NM_001280556.2); c.533G>A, p.Arg178Gln (NM_001280553.2, NM_001280554.2); c.464G>A, p.Arg155Gln (NM_001280555.2); short protein forms R113Q, R155Q, R178Q, R221Q.
Identifiers: ClinVar variation 1338050 (VCV001338050.4), dbSNP rs142210825, ClinGen allele CA5058230.